The following is an entry in ClinVar:

NM_000038.6(APC):c.7260T>C (p.Ser2420=)

Gene: APC (APC regulator of Wnt signaling pathway; plus strand). Cytogenetic location: 5q22.2.
Variant type: single nucleotide variant.
Coding change: c.7260T>C on transcript NM_000038.6 (MANE Select); coding-DNA position 7260, T replaced by C.
Protein change: p.Ser2420=; no amino-acid change (serine 2420 retained).
Molecular consequence: synonymous variant.
Genome position (GRCh38, 1-based): chr5:112,842,854, T>C. VCF-style: chr5-112842854-T-C. GRCh37 (hg19) VCF-style: chr5-112178551-T-C.
Other names: c.7260T>C, p.Ser2420= (NM_001127510.3, NM_001354895.2); c.7206T>C, p.Ser2402= (NM_001127511.3); c.7314T>C, p.Ser2438= (NM_001354896.2); c.7290T>C, p.Ser2430= (NM_001354897.2); c.7185T>C, p.Ser2395= (NM_001354898.2); c.7176T>C, p.Ser2392= (NM_001354899.2); c.7137T>C, p.Ser2379= (NM_001354900.2); c.7083T>C, p.Ser2361= (NM_001354901.2); and 5 more.
Identifiers: ClinVar variation 1641896 (VCV001641896.18), dbSNP rs755501155, ClinGen allele CA047395.

ClinVar aggregate classification (germline): Benign/Likely benign. Review status: criteria provided, multiple submitters, no conflicts (2 of 4 stars). 4 submissions from 4 submitters: Benign (1); Likely benign (3). Last evaluated 2025-08-01.

Conditions:
Familial adenomatous polyposis 1 (FAP1). Also called: POLYPOSIS, ADENOMATOUS INTESTINAL; FAMILIAL ADENOMATOUS POLYPOSIS 1, ATTENUATED. Identifiers: MedGen C2713442, MONDO:0021056, OMIM 175100. Disease mechanism: loss of function.
Hereditary cancer-predisposing syndrome. Also called: Hereditary Cancer Syndrome; Neoplastic Syndromes, Hereditary; Hereditary neoplastic syndrome; Tumor predisposition. Identifiers: Orphanet 140162, MedGen C0027672, MeSH D009386, MONDO:0015356.

Allele frequency attached by ClinVar (database versions not stated): gnomAD exomes below 0.00001; ExAC 0.00001.
gnomAD v4.1: 1 of 1,613,980 alleles (0.000062%); highest among the groups gnomAD compares: Non-Finnish European, 0.000085%; no homozygotes.

Submissions (4):

CeGaT Center for Human Genetics Tuebingen
Classification: Likely benign. Last evaluated: 2025-08-01. Review status: criteria provided, single submitter. Criteria: CeGaT Center For Human Genetics Tuebingen Variant Classification Criteria Version 2. Collection method: clinical testing. Allele origin: germline. Affected: yes. Observed: 1 variant allele.
Comment: APC: BP4, BP7

Myriad Genetics, Inc.
Classification: Benign for Familial adenomatous polyposis 1. Last evaluated: 2024-04-09. Review status: criteria provided, single submitter. Criteria: Myriad Autosomal Dominant, Autosomal Recessive and X-Linked Classification Criteria (2023). Collection method: clinical testing. Allele origin: unknown.
Comment: This variant is considered benign. This variant is a silent/synonymous amino acid change and it is not expected to impact splicing.

Sema4
Classification: Likely benign for Hereditary cancer-predisposing syndrome. Last evaluated: 2021-07-10. Review status: criteria provided, single submitter. Criteria: Sema4 Curation Guidelines. Collection method: curation. Allele origin: germline.

Labcorp Genetics (formerly Invitae), Labcorp
Classification: Likely benign for Familial adenomatous polyposis 1. Last evaluated: 2021-03-16. Review status: criteria provided, single submitter. Criteria: Invitae Variant Classification Sherloc (09022015). Collection method: clinical testing. Allele origin: germline.